The following is an entry in ClinVar:

ClinVar aggregate classification (germline): Pathogenic (1 of 4 stars; one submission).

Submission:

Labcorp Genetics (formerly Invitae), Labcorp
Classification: Pathogenic. Last evaluated: 2023-05-31. Review status: criteria provided, single submitter. Criteria: Invitae Variant Classification Sherloc (09022015). Collection method: clinical testing. Allele origin: germline.
Comment: For these reasons, this variant has been classified as Pathogenic. This variant has not been reported in the literature in individuals affected with LZTR1-related conditions. This variant is not present in population databases (gnomAD no frequency). This sequence change creates a premature translational stop signal (p.Asn253Thrfs*97) in the LZTR1 gene. It is expected to result in an absent or disrupted protein product. Loss-of-function variants in LZTR1 are known to be pathogenic (PMID: 24362817, 25335493, 25480913, 25795793, 29469822, 30368668, 30442762, 30442766, 30481304, 30859559).

Literature cited by the submitters: PubMed 24362817; PubMed 25335493; PubMed 25480913; PubMed 25795793; PubMed 29469822; PubMed 30368668; PubMed 30442762; PubMed 30442766; PubMed 30481304; PubMed 30859559.

NM_006767.4(LZTR1):c.756_759del (p.Asn253fs)

Gene: LZTR1 (leucine zipper like post translational regulator 1; plus strand). Cytogenetic location: 22q11.21.
Variant type: Deletion.
Coding change: c.756_759del on transcript NM_006767.4 (MANE Select); coding-DNA positions 756 to 759, 4 bases deleted (CAAC; older notation c.756_759delCAAC).
Protein change: p.Asn253fs; shifts the reading frame from asparagine 253.
Molecular consequence: frameshift variant.
Genome position (GRCh38, 1-based): chr22:20,990,490-20,990,493, CAAC deleted; deleting any 4 consecutive bases within chr22:20,990,487-20,990,493 gives the same sequence; the c. name uses the placement nearest the transcript's 3' end. VCF-style (leftmost placement, unchanged base first): chr22-20990486-TAACC-T. GRCh37 (hg19) VCF-style: chr22-21344775-TAACC-T.
Other names: short protein forms N253fs.
Identifiers: ClinVar variation 2752753 (VCV002752753.3), dbSNP rs2518615864, ClinGen allele CA2655434136.
Genomic context (GRCh38, chr22:20,990,486, plus strand): 5'-TCCCCGTGGCTGTGTGCCGGGACAAGATGTTTGTATTCTCTGGGCAAAGCGGAGCCAAAA[TAACC>T]AACAACCTCTTCCAGTTTGAATTCAAGGACAAGACGTGAGTACTCTGGCCAGTGGGGTGG-3'